The following is an entry in ClinVar:

NM_024989.4(PGAP1):c.1475A>G (p.Asn492Ser)

Gene: PGAP1 (post-GPI attachment to proteins inositol deacylase 1; minus strand). Cytogenetic location: 2q33.1.
Variant type: single nucleotide variant.
Coding change: c.1475A>G on transcript NM_024989.4 (MANE Select); coding-DNA position 1475, A replaced by G.
Protein change: p.Asn492Ser; replaces asparagine 492 with serine.
Molecular consequence: missense variant.
Genome position (GRCh38, 1-based): chr2:196,873,710, T>C on the plus strand (A>G on the coding strand, the complement: PGAP1 is on the minus strand). VCF-style: chr2-196873710-T-C. GRCh37 (hg19) VCF-style: chr2-197738434-T-C.
Other names: c.953A>G, p.Asn318Ser (NM_001321099.2); c.308A>G, p.Asn103Ser (NM_001321100.2); short protein forms N492S, N103S, N318S.
Identifiers: ClinVar variation 541839 (VCV000541839.4), dbSNP rs199809707, ClinGen allele CA2040909.

ClinVar aggregate classification (germline): Conflicting classifications of pathogenicity. Review status: criteria provided, conflicting classifications (1 of 4 stars). 2 submissions from 2 submitters: Uncertain significance (1); Likely benign (1). Last evaluated 2026-07-01.

Conditions:
Intellectual disability, autosomal recessive 42 (NEDDSBA). Also called: Neurodevelopmental disorder with dysmorphic features, spasticity, and brain abnormalities; GLYCOSYLPHOSPHATIDYLINOSITOL BIOSYNTHESIS DEFECT 9. Identifiers: Orphanet 88616, MedGen C4014343, MONDO:0014348, OMIM 615802.

Allele frequency attached by ClinVar (database versions not stated): gnomAD 0.00007 and 0.00010; ESP Exome Variant Server 0.00008; TOPMed 0.00013; ExAC 0.00016; gnomAD exomes 0.00024.
gnomAD v4.1: 218 of 1,612,048 alleles (0.014%); highest among the groups gnomAD compares: Middle Eastern, 0.21%; 1 homozygote.

Submissions (2):

CeGaT Center for Human Genetics Tuebingen
Classification: Likely benign. Last evaluated: 2026-07-01. Review status: criteria provided, single submitter. Criteria: CeGaT Center For Human Genetics Tuebingen Variant Classification Criteria Version 2. Collection method: clinical testing. Allele origin: germline. Affected: yes. Observed: 1 variant allele.
Comment: PGAP1: BS2

Labcorp Genetics (formerly Invitae), Labcorp
Classification: Uncertain significance for Intellectual disability, autosomal recessive 42. Last evaluated: 2022-08-17. Review status: criteria provided, single submitter. Criteria: Invitae Variant Classification Sherloc (09022015). Collection method: clinical testing. Allele origin: germline.
Comment: This sequence change replaces asparagine, which is neutral and polar, with serine, which is neutral and polar, at codon 492 of the PGAP1 protein (p.Asn492Ser). This variant is present in population databases (rs199809707, gnomAD 0.08%). This variant has not been reported in the literature in individuals affected with PGAP1-related conditions. ClinVar contains an entry for this variant (Variation ID: 541839). Algorithms developed to predict the effect of missense changes on protein structure and function (SIFT, PolyPhen-2, Align-GVGD) all suggest that this variant is likely to be tolerated. Algorithms developed to predict the effect of sequence changes on RNA splicing suggest that this variant may create or strengthen a splice site. In summary, the available evidence is currently insufficient to determine the role of this variant in disease. Therefore, it has been classified as a Variant of Uncertain Significance.